The following is an entry in ClinVar:

ClinVar aggregate classification (germline): Pathogenic. Review status: criteria provided, single submitter (1 of 4 stars). 2 submissions from 2 submitters: Pathogenic (1). 1 of the submissions does not count toward it. Last evaluated 2024-09-12.

Conditions:
Tuberous sclerosis 2 (TSC2). Identifiers: Orphanet 805, MedGen C1860707, MONDO:0013199, OMIM 613254.
Tuberous sclerosis syndrome (TSC). Also called: Tuberous Sclerosis Complex; Tuberous sclerosis. Identifiers: Orphanet 805, MedGen C0041341, MONDO:0001734.

Submissions (2):

Labcorp Genetics (formerly Invitae), Labcorp
Classification: Pathogenic for Tuberous sclerosis 2. Last evaluated: 2024-09-12. Review status: criteria provided, single submitter. Criteria: Invitae Variant Classification Sherloc (09022015). Collection method: clinical testing. Allele origin: germline.
Comment: This sequence change creates a premature translational stop signal (p.Trp304*) in the TSC2 gene. It is expected to result in an absent or disrupted protein product. Loss-of-function variants in TSC2 are known to be pathogenic (PMID: 10205261, 17304050). This variant is not present in population databases (gnomAD no frequency). This premature translational stop signal has been observed in individual(s) with tuberous sclerosis complex (PMID: 11112665, 32313033). ClinVar contains an entry for this variant (Variation ID: 64852). For these reasons, this variant has been classified as Pathogenic.

Tuberous sclerosis database (TSC2)
No classification provided. Condition: TSC. Review status: no classification provided. Criteria: Tuberous Sclerosis Database Assertion Criteria 2015. Collection method: curation. Allele origin: germline. Affected: yes. Not counted in ClinVar's aggregate classification.

Literature cited by the submitters: PubMed 10205261 (cited by Labcorp Genetics (formerly Invitae), Labcorp); PubMed 17304050 (cited by Labcorp Genetics (formerly Invitae), Labcorp); PubMed 11112665 (cited by Labcorp Genetics (formerly Invitae), Labcorp); PubMed 32313033 (cited by Labcorp Genetics (formerly Invitae), Labcorp).

NM_000548.5(TSC2):c.912G>A (p.Trp304Ter)

Gene: TSC2 (TSC complex subunit 2; plus strand). Cytogenetic location: 16p13.3.
Variant type: single nucleotide variant.
Coding change: c.912G>A on transcript NM_000548.5 (MANE Select); coding-DNA position 912, G replaced by A.
Protein change: p.Trp304Ter; replaces tryptophan 304 with a stop codon.
Molecular consequence: nonsense.
Genome position (GRCh38, 1-based): chr16:2,058,810, G>A. VCF-style: chr16-2058810-G-A. GRCh37 (hg19) VCF-style: chr16-2108811-G-A.
Other names: c.912G>A, p.Trp304Ter (NM_001077183.3, NM_001114382.3, NM_001363528.2 and 3 more transcripts); c.801G>A, p.Trp267Ter (NM_001318827.2); c.765G>A, p.Trp255Ter (NM_001318829.2); c.312G>A, p.Trp104Ter (NM_001318831.2); c.945G>A, p.Trp315Ter (NM_001318832.2); short protein forms W304*, W267*, W255*, W104*, W315*.
Identifiers: ClinVar variation 64852 (VCV000064852.4), dbSNP rs397514884, ClinGen allele CA023112.